The following is an entry in ClinVar:

ClinVar aggregate classification (germline): Uncertain significance. Review status: criteria provided, multiple submitters, no conflicts (2 of 4 stars). 2 submissions from 2 submitters: Uncertain significance (2). Last evaluated 2023-02-23.

Conditions:
Dyskeratosis congenita. Identifiers: Orphanet 1775, MedGen C0265965, MONDO:0015780.
Idiopathic Pulmonary Fibrosis. Also called: Idiopathic fibrosing alveolitis, chronic form; idiopathic fibrosing alveolitis. Identifiers: Orphanet 2032, MedGen C1800706, MeSH D054990, MONDO:0800504.
Dyskeratosis congenita, autosomal dominant 2. Identifiers: MedGen C3151443, MONDO:0013521, OMIM 613989.

Submissions (2):

Ambry Genetics
Classification: Uncertain significance for Dyskeratosis congenita. Last evaluated: 2023-02-23. Review status: criteria provided, single submitter. Criteria: Ambry Variant Classification Scheme 2023. Collection method: clinical testing. Allele origin: germline.
Comment: The p.H816N variant (also known as c.2446C>A), located in coding exon 8 of the TERT gene, results from a C to A substitution at nucleotide position 2446. The histidine at codon 816 is replaced by asparagine, an amino acid with similar properties. This amino acid position is conserved. In addition, this alteration is predicted to be tolerated by in silico analysis. Since supporting evidence is limited at this time, the clinical significance of this alteration remains unclear.

Labcorp Genetics (formerly Invitae), Labcorp
Classification: Uncertain significance for Dyskeratosis congenita, autosomal dominant 2; Idiopathic Pulmonary Fibrosis. Last evaluated: 2022-06-22. Review status: criteria provided, single submitter. Criteria: Invitae Variant Classification Sherloc (09022015). Collection method: clinical testing. Allele origin: germline.
Comment: In summary, the available evidence is currently insufficient to determine the role of this variant in disease. Therefore, it has been classified as a Variant of Uncertain Significance. Advanced modeling of protein sequence and biophysical properties (such as structural, functional, and spatial information, amino acid conservation, physicochemical variation, residue mobility, and thermodynamic stability) performed at Invitae indicates that this missense variant is not expected to disrupt TERT protein function. ClinVar contains an entry for this variant (Variation ID: 663203). This variant has not been reported in the literature in individuals affected with TERT-related conditions. This variant is not present in population databases (gnomAD no frequency). This sequence change replaces histidine, which is basic and polar, with asparagine, which is neutral and polar, at codon 816 of the TERT protein (p.His816Asn).

NM_198253.3(TERT):c.2446C>A (p.His816Asn)

Gene: TERT (telomerase reverse transcriptase; minus strand). Cytogenetic location: 5p15.33.
Variant type: single nucleotide variant.
Coding change: c.2446C>A on transcript NM_198253.3 (MANE Select); coding-DNA position 2446, C replaced by A.
Protein change: p.His816Asn; replaces histidine 816 with asparagine.
Molecular consequence: missense variant.
Genome position (GRCh38, 1-based): chr5:1,271,141, G>T on the plus strand (C>A on the coding strand, the complement: TERT is on the minus strand). VCF-style: chr5-1271141-G-T. GRCh37 (hg19) VCF-style: chr5-1271256-G-T.
Other names: c.2446C>A, p.His816Asn (NM_001193376.3); short protein forms H816N.
Identifiers: ClinVar variation 663203 (VCV000663203.11), dbSNP rs1579563373, ClinGen allele CA359075695.